The following is an entry in ClinVar:

NM_006231.4(POLE):c.3425A>C (p.Gln1142Pro)

Gene: POLE (DNA polymerase epsilon, catalytic subunit; minus strand). Cytogenetic location: 12q24.33.
Variant type: single nucleotide variant.
Coding change: c.3425A>C on transcript NM_006231.4 (MANE Select); coding-DNA position 3425, A replaced by C.
Protein change: p.Gln1142Pro; replaces glutamine 1142 with proline.
Molecular consequence: missense variant.
Genome position (GRCh38, 1-based): chr12:132,657,383, T>G on the plus strand (A>C on the coding strand, the complement: POLE is on the minus strand). VCF-style: chr12-132657383-T-G. GRCh37 (hg19) VCF-style: chr12-133233969-T-G.
Other names: short protein forms Q1142P.
Identifiers: ClinVar variation 1731299 (VCV001731299.2), dbSNP rs2042568592, ClinGen allele CA387389068.

ClinVar aggregate classification (germline): Uncertain significance (1 of 4 stars; one submission).

Conditions:
Hereditary cancer-predisposing syndrome. Also called: Neoplastic Syndromes, Hereditary; Tumor predisposition; Hereditary Cancer Syndrome; Hereditary neoplastic syndrome. Identifiers: Orphanet 140162, MedGen C0027672, MeSH D009386, MONDO:0015356.

Submission:

Ambry Genetics
Classification: Uncertain significance for Hereditary cancer-predisposing syndrome. Last evaluated: 2021-07-27. Review status: criteria provided, single submitter. Criteria: Ambry Variant Classification Scheme 2023. Collection method: clinical testing. Allele origin: germline.
Comment: The p.Q1142P variant (also known as c.3425A>C), located in coding exon 28 of the POLE gene, results from an A to C substitution at nucleotide position 3425. The glutamine at codon 1142 is replaced by proline, an amino acid with similar properties. This amino acid position is conserved. In addition, this alteration is predicted to be deleterious by in silico analysis. Since supporting evidence is limited at this time, the clinical significance of this alteration remains unclear.